The following is an entry in ClinVar:

NM_001170629.2(CHD8):c.3601G>T (p.Asp1201Tyr)

Gene: CHD8 (chromodomain helicase DNA binding protein 8; minus strand). Cytogenetic location: 14q11.2.
Variant type: single nucleotide variant.
Coding change: c.3601G>T on transcript NM_001170629.2 (MANE Select); coding-DNA position 3601, G replaced by T.
Protein change: p.Asp1201Tyr; replaces aspartic acid 1201 with tyrosine.
Molecular consequence: missense variant.
Genome position (GRCh38, 1-based): chr14:21,403,130, C>A on the plus strand (G>T on the coding strand, the complement: CHD8 is on the minus strand). VCF-style: chr14-21403130-C-A. GRCh37 (hg19) VCF-style: chr14-21871289-C-A.
Other names: c.2764G>T, p.Asp922Tyr (NM_020920.4); short protein forms D1201Y, D922Y.
Identifiers: ClinVar variation 4796519 (VCV004796519.1).

ClinVar aggregate classification (germline): Likely pathogenic (1 of 4 stars; one submission).

Conditions:
Intellectual developmental disorder with autism and macrocephaly. Also called: Autism, susceptibility to, 18; CHD8-Related Neurodevelopmental Disorder with Overgrowth. Identifiers: Orphanet 642675, MedGen C3554373, MONDO:0014017, OMIM 615032.

Submission:

Juno Genomics, Hangzhou Juno Genomics, Inc
Classification: Likely pathogenic for Intellectual developmental disorder with autism and macrocephaly. Review status: criteria provided, single submitter. Criteria: ACMG Guidelines, 2015. Collection method: clinical testing. Allele origin: germline. Affected: yes.
Comment: Absent from controls (or at extremely low frequency if recessive) in Genome Aggregation Database, Exome Sequencing Project, 1000 Genomes Project, or Exome Aggregation Consortium.;Multiple lines of computational evidence support a deleterious effect on the gene or gene product (conservation, evolutionary, splicing impact, etc).;Missense variant in a gene that has a low rate of benign missense variation and where missense variants are a common mechanism of disease.